The following is an entry in ClinVar:

NM_020436.5(SALL4):c.1567G>C (p.Gly523Arg)

Gene: SALL4 (spalt like transcription factor 4; minus strand). Cytogenetic location: 20q13.2.
Variant type: single nucleotide variant.
Coding change: c.1567G>C on transcript NM_020436.5 (MANE Select); coding-DNA position 1567, G replaced by C.
Protein change: p.Gly523Arg; replaces glycine 523 with arginine.
Molecular consequence: missense variant. On other transcripts: intron variant (1).
Genome position (GRCh38, 1-based): chr20:51,790,916, C>G on the plus strand (G>C on the coding strand, the complement: SALL4 is on the minus strand). VCF-style: chr20-51790916-C-G. GRCh37 (hg19) VCF-style: chr20-50407455-C-G.
Other names: c.1150+417G>C (NM_001318031.2); c.1567G>C (NM_020436.4); short protein forms G523R.
Identifiers: ClinVar variation 288147 (VCV000288147.19), dbSNP rs113920122, ClinGen allele CA9912261.

ClinVar aggregate classification (germline): Conflicting classifications of pathogenicity. Review status: criteria provided, conflicting classifications (1 of 4 stars). 5 submissions from 5 submitters: Uncertain significance (3); Likely benign (1). 1 of the submissions does not count toward it. Last evaluated 2026-01-05.

Conditions:
SALL4-Related Disorders. Also called: SALL4-related condition; SALL4-related disorder. Identifiers: MedGen CN381056.
Inborn genetic diseases. Identifiers: MedGen C0950123, MeSH D030342.
Duane-radial ray syndrome (DRRS). Also called: ACRORENOOCULAR SYNDROME; DR SYNDROME; DUANE ANOMALY WITH RADIAL RAY ABNORMALITIES AND DEAFNESS; Duane-Radial Ray Syndrome (DRRS) / Okihiro Syndrome; Okihiro Syndrome; Duane-Radial Ray Syndrome/Okihiro Syndrome. Identifiers: Orphanet 93293, Orphanet 959, MedGen C1623209, MONDO:0011812, OMIM 607323. Disease mechanism: gain of function.

Allele frequency attached by ClinVar (database versions not stated): gnomAD 0.00001; TOPMed 0.00003.
gnomAD v4.1: 43 of 1,614,016 alleles (0.0027%); highest among the groups gnomAD compares: Admixed American, 0.072%; no homozygotes.

Submissions (5):

Labcorp Genetics (formerly Invitae), Labcorp
Classification: Likely benign for Duane-radial ray syndrome. Last evaluated: 2026-01-05. Review status: criteria provided, single submitter. Criteria: Invitae Variant Classification Sherloc (09022015). Collection method: clinical testing. Allele origin: germline.

GeneDx
Classification: Uncertain significance. Last evaluated: 2025-03-11. Review status: criteria provided, single submitter. Criteria: GeneDx Variant Classification Process June 2021. Collection method: clinical testing. Allele origin: germline. Affected: yes.
Comment: In silico analysis indicates that this missense variant does not alter protein structure/function; Has not been previously published as pathogenic or benign to our knowledge

Ambry Genetics
Classification: Uncertain significance for Inborn genetic diseases. Last evaluated: 2022-01-31. Review status: criteria provided, single submitter. Criteria: Ambry Variant Classification Scheme 2023. Collection method: clinical testing. Allele origin: germline.

Eurofins Ntd Llc (ga)
Classification: Uncertain significance. Last evaluated: 2016-06-11. Review status: criteria provided, single submitter. Criteria: EGL Classification Definitions 2015. Collection method: clinical testing. Allele origin: germline. Observed: 2 variant alleles, 2 heterozygotes.

PreventionGenetics, part of Exact Sciences
Classification: Likely benign for SALL4-related condition. Last evaluated: 2022-05-23. Review status: no assertion criteria provided. Collection method: clinical testing. Allele origin: germline. Not counted in ClinVar's aggregate classification.
Comment: This variant is classified as likely benign based on ACMG/AMP sequence variant interpretation guidelines (Richards et al. 2015 PMID: 25741868, with internal and published modifications).